The following is an entry in ClinVar:

NM_006517.5(SLC16A2):c.560C>T (p.Thr187Ile)

Gene: SLC16A2 (solute carrier family 16 member 2; plus strand). Cytogenetic location: Xq13.2.
Variant type: single nucleotide variant.
Coding change: c.560C>T on transcript NM_006517.5 (MANE Select); coding-DNA position 560, C replaced by T.
Protein change: p.Thr187Ile; replaces threonine 187 with isoleucine.
Molecular consequence: missense variant.
Genome position (GRCh38, 1-based): chrX:74,521,119, C>T. VCF-style: chrX-74521119-C-T. GRCh37 (hg19) VCF-style: chrX-73740954-C-T.
Other names: short protein forms T187I.
Identifiers: ClinVar variation 1310004 (VCV001310004.4), dbSNP rs2147869566, ClinGen allele CA413656785.
Genomic context (GRCh38, chrX:74,521,119, plus strand): 5'-GTTTGGGCTGCCGAATCACAGCAACCGCGGGGGCTGCCGTTGCTTTCATTGGCCTCCATA[C>T]CAGCTCCTTCACCAGGTAAGGCTAAGAGTTGGTGGTTATTTCCCCAAGGCTGAGGGTTGG-3'
Protein context (NP_006508.2, residues 177-197): GAAVAFIGLH[Thr187Ile]SSFTSSLSLR

ClinVar aggregate classification (germline): Uncertain significance. Review status: criteria provided, multiple submitters, no conflicts (2 of 4 stars). 2 submissions from 2 submitters: Uncertain significance (2). Last evaluated 2024-12-15.

Conditions:
Spastic paraplegia. Identifiers: MedGen C0037772, HP:0001258.

Submissions (2):

Labcorp Genetics (formerly Invitae), Labcorp
Classification: Uncertain significance for Spastic paraplegia. Last evaluated: 2024-12-15. Review status: criteria provided, single submitter. Criteria: Invitae Variant Classification Sherloc (09022015). Collection method: clinical testing. Allele origin: germline.
Comment: This sequence change replaces threonine, which is neutral and polar, with isoleucine, which is neutral and non-polar, at codon 187 of the SLC16A2 protein (p.Thr187Ile). This variant is not present in population databases (gnomAD no frequency). This variant has not been reported in the literature in individuals affected with SLC16A2-related conditions. ClinVar contains an entry for this variant (Variation ID: 1310004). Invitae Evidence Modeling of protein sequence and biophysical properties (such as structural, functional, and spatial information, amino acid conservation, physicochemical variation, residue mobility, and thermodynamic stability) indicates that this missense variant is not expected to disrupt SLC16A2 protein function with a negative predictive value of 95%. In summary, the available evidence is currently insufficient to determine the role of this variant in disease. Therefore, it has been classified as a Variant of Uncertain Significance.

GeneDx
Classification: Uncertain significance. Last evaluated: 2019-08-29. Review status: criteria provided, single submitter. Criteria: GeneDx Variant Classification Process June 2021. Collection method: clinical testing. Allele origin: germline. Affected: yes.
Comment: Not observed in large population cohorts (Lek et al., 2016); In silico analysis, which includes protein predictors and evolutionary conservation, supports that this variant does not alter protein structure/function; Has not been previously published as pathogenic or benign to our knowledge